The following is an entry in ClinVar:

NM_000755.5(CRAT):c.1615A>G (p.Met539Val)

Gene: CRAT (carnitine O-acetyltransferase; minus strand). Cytogenetic location: 9q34.11.
Variant type: single nucleotide variant.
Coding change: c.1615A>G on transcript NM_000755.5 (MANE Select); coding-DNA position 1615, A replaced by G.
Protein change: p.Met539Val; replaces methionine 539 with valine.
Molecular consequence: missense variant. On other transcripts: intron variant (2).
Genome position (GRCh38, 1-based): chr9:129,096,048, T>C on the plus strand (A>G on the coding strand, the complement: CRAT is on the minus strand). VCF-style: chr9-129096048-T-C. GRCh37 (hg19) VCF-style: chr9-131858327-T-C.
Other names: c.1552A>G, p.Met518Val (NM_001257363.3, NM_004003.4); c.1618A>G, p.Met540Val (NM_001346546.2); c.1495A>G, p.Met499Val (NM_001346549.2); c.1593+22A>G (NM_001346547.2); c.1530+22A>G (NM_001346548.2); short protein forms M499V, M539V, M540V, M518V.
Identifiers: ClinVar variation 4744410 (VCV004744410.1).

ClinVar aggregate classification (germline): Uncertain significance (1 of 4 stars; one submission).

Submission:

Labcorp Genetics (formerly Invitae), Labcorp
Classification: Uncertain significance. Last evaluated: 2025-06-08. Review status: criteria provided, single submitter. Criteria: Invitae Variant Classification Sherloc (09022015). Collection method: clinical testing. Allele origin: germline.
Comment: This sequence change replaces methionine, which is neutral and non-polar, with valine, which is neutral and non-polar, at codon 539 of the CRAT protein (p.Met539Val). This variant is not present in population databases (gnomAD no frequency). This variant has not been reported in the literature in individuals affected with CRAT-related conditions. Invitae Evidence Modeling of protein sequence and biophysical properties (such as structural, functional, and spatial information, amino acid conservation, physicochemical variation, residue mobility, and thermodynamic stability) indicates that this missense variant is not expected to disrupt CRAT protein function with a negative predictive value of 80%. In summary, the available evidence is currently insufficient to determine the role of this variant in disease. Therefore, it has been classified as a Variant of Uncertain Significance.